The following is an entry in ClinVar:

NM_000182.5(HADHA):c.310dup (p.Ile104fs)

Gene: HADHA (hydroxyacyl-CoA dehydrogenase trifunctional multienzyme complex subunit alpha; minus strand). Cytogenetic location: 2p23.3.
Variant type: Duplication.
Coding change: c.310dup on transcript NM_000182.5 (MANE Select); coding-DNA position 310, one base duplicated (A; older notation c.310dupA).
Protein change: p.Ile104fs; shifts the reading frame from isoleucine 104.
Molecular consequence: frameshift variant.
Genome position (GRCh38, 1-based): chr2:26,236,859, T duplicated on the plus strand (A on the coding strand, the reverse complement: HADHA is on the minus strand). VCF-style (leftmost placement, unchanged base first): chr2-26236858-A-AT. GRCh37 (hg19) VCF-style: chr2-26459726-A-AT.
Other names: short protein forms I104fs.
Identifiers: ClinVar variation 1435055 (VCV001435055.6), dbSNP rs1670773680, ClinGen allele CA1239719704.

ClinVar aggregate classification (germline): Pathogenic (1 of 4 stars; one submission).

Conditions:
Long chain 3-hydroxyacyl-CoA dehydrogenase deficiency. Also called: Deficiency of long-chain 3-hydroxyacyl-coenzyme A dehydrogenase; LCHAD Deficiency. Identifiers: Orphanet 5, MedGen C3711645, MONDO:0012173, OMIM 609016.
Mitochondrial trifunctional protein deficiency. Identifiers: Orphanet 746, MedGen C1969443, MONDO:0012172.

Allele frequency attached by ClinVar (database versions not stated): TOPMed below 0.00001.

Submission:

Labcorp Genetics (formerly Invitae), Labcorp
Classification: Pathogenic for Mitochondrial trifunctional protein deficiency; Long chain 3-hydroxyacyl-CoA dehydrogenase deficiency. Last evaluated: 2021-01-08. Review status: criteria provided, single submitter. Criteria: Invitae Variant Classification Sherloc (09022015). Collection method: clinical testing. Allele origin: germline.
Comment: This sequence change creates a premature translational stop signal (p.Ile104Asnfs*25) in the HADHA gene. It is expected to result in an absent or disrupted protein product. Loss-of-function variants in HADHA are known to be pathogenic (PMID: 7738175, 21103935, 21549624, 22459206). This variant is not present in population databases (ExAC no frequency). This variant has not been reported in the literature in individuals with HADHA-related conditions. For these reasons, this variant has been classified as Pathogenic.

Literature cited by the submitters: PubMed 7738175; PubMed 21103935; PubMed 21549624; PubMed 22459206.